The following is an entry in ClinVar:

ClinVar aggregate classification (germline): Pathogenic. Review status: criteria provided, multiple submitters, no conflicts (2 of 4 stars). 4 submissions from 4 submitters: Pathogenic (4). Last evaluated 2025-02-16.

Conditions:
Cardiovascular phenotype. Identifiers: MedGen CN230736.
Hereditary hemorrhagic telangiectasia (HHT). Also called: ORW DISEASE; Osler Weber Rendu syndrome; OSLER-RENDU-WEBER DISEASE; Osler hemorrhagic telangiectasia syndrome. Identifiers: Orphanet 774, MedGen C0039445, MONDO:0019180. Disease mechanism: loss of function.

Submissions (4):

Laboratory of Genetics, Children's Clinical University Hospital Latvia
Classification: Pathogenic. Last evaluated: 2025-02-16. Review status: criteria provided, single submitter. Criteria: ACMG Guidelines, 2015. Collection method: clinical testing. Allele origin: germline. Affected: yes.

Labcorp Genetics (formerly Invitae), Labcorp
Classification: Pathogenic for Hereditary hemorrhagic telangiectasia. Last evaluated: 2024-07-08. Review status: criteria provided, single submitter. Criteria: Invitae Variant Classification Sherloc (09022015). Collection method: clinical testing. Allele origin: germline.
Comment: This sequence change creates a premature translational stop signal (p.Trp390*) in the ENG gene. It is expected to result in an absent or disrupted protein product. Loss-of-function variants in ENG are known to be pathogenic (PMID: 15879500). This variant is not present in population databases (gnomAD no frequency). This premature translational stop signal has been observed in individual(s) with hereditary hemorrhagic telangiectasia (PMID: 32503579). ClinVar contains an entry for this variant (Variation ID: 1739533). For these reasons, this variant has been classified as Pathogenic.

GeneDx
Classification: Pathogenic. Last evaluated: 2023-06-26. Review status: criteria provided, single submitter. Criteria: GeneDx Variant Classification Process June 2021. Collection method: clinical testing. Allele origin: germline. Affected: yes.
Comment: Nonsense variant predicted to result in protein truncation or nonsense mediated decay in a gene for which loss of function is a known mechanism of disease; Not observed at significant frequency in large population cohorts (gnomAD); This variant is associated with the following publications: (PMID: 32503579)

Ambry Genetics
Classification: Pathogenic for Cardiovascular phenotype. Last evaluated: 2014-09-24. Review status: criteria provided, single submitter. Criteria: Ambry Variant Classification Scheme 2023. Collection method: clinical testing. Allele origin: germline.
Comment: The p.W390* pathogenic mutation (also known as c.1170G>A) located in coding exon 9 of the ENG gene, results from a G to A substitution at nucleotide position 1170. This changes the amino acid from a tryptophan to a stop codon within coding exon 9. This same nonsense change, but different nucleotide alteration (c.1169G>A), was described in an individual with epistaxis and telangiectasias (Fontalba A et al. BMC Med Genet. 2008;9:75). In addition to the clinical data presented in the literature, since premature stop codons are typically deleterious in nature, this alteration is interpreted as a disease-causing mutation (ACMG Recommendations for Standards for Interpretation and Reporting of Sequence Variations. Revision 2007. Genet Med. 2008;10:294).

Literature cited by the submitters: PubMed 15879500 (cited by Labcorp Genetics (formerly Invitae), Labcorp); PubMed 32503579 (cited by Labcorp Genetics (formerly Invitae), Labcorp); PubMed 18673552 (cited by Ambry Genetics).

NM_001114753.3(ENG):c.1170G>A (p.Trp390Ter)

Genes: ENG (endoglin; minus strand), LOC102723566 (uncharacterized LOC102723566; plus strand). Cytogenetic location: 9q34.11.
Variant type: single nucleotide variant.
Coding change: c.1170G>A on transcript NM_001114753.3 (MANE Select); coding-DNA position 1170, G replaced by A.
Protein change: p.Trp390Ter; replaces tryptophan 390 with a stop codon.
Molecular consequence: nonsense.
Genome position (GRCh38, 1-based): chr9:127,820,002, C>T on the plus strand (G>A on the coding strand, the complement: ENG is on the minus strand). VCF-style: chr9-127820002-C-T. GRCh37 (hg19) VCF-style: chr9-130582281-C-T.
Other names: c.1170G>A (NM_000118.2); c.1170G>A, p.Trp390Ter (NM_000118.4); c.624G>A, p.Trp208Ter (NM_001278138.2); short protein forms W390*, W208*.
Identifiers: ClinVar variation 1739533 (VCV001739533.7), dbSNP rs2539064376, ClinGen allele CA374978714.